The following is an entry in ClinVar:

ClinVar aggregate classification (germline): not provided (0 of 4 stars; one submission).

Submission:

Human Evolutionary Genetics, Institut Pasteur
No classification provided. Review status: no classification provided. Collection method: not provided. Allele origin: germline.
ClinVar note: Converted during submission from untested to not provided.

NM_178844.4(NLRC3):c.2787C>T (p.Ala929=)

Gene: NLRC3 (NLR family CARD domain containing 3; minus strand). Cytogenetic location: 16p13.3.
Variant type: single nucleotide variant.
Coding change: c.2787C>T on transcript NM_178844.4 (MANE Select); coding-DNA position 2787, C replaced by T.
Protein change: p.Ala929=; no amino-acid change (alanine 929 retained).
Molecular consequence: synonymous variant. On other transcripts: non-coding transcript variant (1).
Genome position (GRCh38, 1-based): chr16:3,544,314, G>A on the plus strand (C>T on the coding strand, the complement: NLRC3 is on the minus strand). VCF-style: chr16-3544314-G-A. GRCh37 (hg19) VCF-style: chr16-3594314-G-A.
Identifiers: ClinVar variation 103373 (VCV000103373.2), dbSNP rs199476288, ClinGen allele CA276956956.
Genomic context (GRCh38, chr16:3,544,314, plus strand): 5'-AGTGAGGGCTGTGTTGACCTTCAGTGCACGGGCCACCGCACACGCTCCGTCATCCCCGAT[G>A]GCGTTCTCCTGTAAACTAGACACAGAGTATGACCCCTTTGGGTGCACGGGGCACAGGGAG-3'
Protein context (NP_849172.2, residues 919-939): SLTSLDLQEN[Ala929=]IGDDGACAVA